The following is an entry in ClinVar:

ClinVar aggregate classification (germline): Pathogenic (1 of 4 stars; one submission).

Submission:

Labcorp Genetics (formerly Invitae), Labcorp
Classification: Pathogenic. Last evaluated: 2019-06-28. Review status: criteria provided, single submitter. Criteria: Invitae Variant Classification Sherloc (09022015). Collection method: clinical testing. Allele origin: germline.
Comment: This sequence change creates a premature translational stop signal (p.Gly28Valfs*4) in the PHEX gene. It is expected to result in an absent or disrupted protein product. This variant is not present in population databases (ExAC no frequency). This variant has not been reported in the literature in individuals with PHEX-related conditions. Loss-of-function variants in PHEX are known to be pathogenic (PMID: 9097956, 9106524, 19219621). For these reasons, this variant has been classified as Pathogenic.

Literature cited by the submitters: PubMed 9097956; PubMed 9106524; PubMed 19219621.

NM_000444.6(PHEX):c.83del (p.Gly28fs)

Gene: PHEX (phosphate regulating endopeptidase X-linked; plus strand). Cytogenetic location: Xp22.11.
Variant type: Deletion.
Coding change: c.83del on transcript NM_000444.6 (MANE Select); coding-DNA position 83, one base deleted (G; older notation c.83delG).
Protein change: p.Gly28fs; shifts the reading frame from glycine 28.
Molecular consequence: frameshift variant.
Genome position (GRCh38, 1-based): chrX:22,033,088, G deleted; the last of 2 consecutive G bases (chrX:22,033,087-22,033,088); deleting either gives the same sequence. VCF-style (leftmost placement, unchanged base first): chrX-22033086-CG-C. GRCh37 (hg19) VCF-style: chrX-22051204-CG-C.
Other names: c.83del, p.Gly28fs (NM_001282754.2); short protein forms G28fs.
Identifiers: ClinVar variation 940590 (VCV000940590.7), dbSNP rs1926873715, ClinGen allele CA1139667274.